The following is an entry in ClinVar:

NM_021629.4(GNB4):c.596T>A (p.Phe199Tyr)

Gene: GNB4 (G protein subunit beta 4; minus strand). Cytogenetic location: 3q26.33.
Variant type: single nucleotide variant.
Coding change: c.596T>A on transcript NM_021629.4 (MANE Select); coding-DNA position 596, T replaced by A.
Protein change: p.Phe199Tyr; replaces phenylalanine 199 with tyrosine.
Molecular consequence: missense variant.
Genome position (GRCh38, 1-based): chr3:179,413,515, A>T on the plus strand (T>A on the coding strand, the complement: GNB4 is on the minus strand). VCF-style: chr3-179413515-A-T. GRCh37 (hg19) VCF-style: chr3-179131303-A-T.
Other names: short protein forms F199Y.
Identifiers: ClinVar variation 577412 (VCV000577412.12), dbSNP rs760894139, ClinGen allele CA2712459.

ClinVar aggregate classification (germline): Uncertain significance. Review status: criteria provided, multiple submitters, no conflicts (2 of 4 stars). 3 submissions from 3 submitters: Uncertain significance (3). Last evaluated 2025-12-05.

Conditions:
GNB4-related disorder. Also called: GNB4-related condition.
Charcot-Marie-Tooth disease dominant intermediate F. Identifiers: Orphanet 352670, MedGen C4749463, MONDO:0014074, OMIM 615185.
Inborn genetic diseases. Identifiers: MedGen C0950123, MeSH D030342.

Allele frequency attached by ClinVar (database versions not stated): gnomAD exomes 0.00001; TOPMed 0.00002; gnomAD 0.00003; ExAC 0.00001.
gnomAD v4.1: 18 of 1,613,942 alleles (0.0011%); highest among the groups gnomAD compares: African/African-American, 0.0027%; no homozygotes.

Submissions (3):

PreventionGenetics, part of Exact Sciences
Classification: Uncertain significance for GNB4-related condition. Last evaluated: 2025-12-05. Review status: criteria provided, single submitter. Criteria: ACMG Guidelines, 2015. Collection method: clinical testing. Allele origin: germline.
Comment: The GNB4 c.596T>A variant is predicted to result in the amino acid substitution p.Phe199Tyr. To our knowledge, this variant has not been reported in the literature. This variant is reported in 0.00088% of alleles in individuals of European (Non-Finnish) descent in gnomAD. At this time, the clinical significance of this variant is uncertain due to the absence of conclusive functional and genetic evidence.

Labcorp Genetics (formerly Invitae), Labcorp
Classification: Uncertain significance for Charcot-Marie-Tooth disease dominant intermediate F. Last evaluated: 2023-11-19. Review status: criteria provided, single submitter. Criteria: Invitae Variant Classification Sherloc (09022015). Collection method: clinical testing. Allele origin: germline.
Comment: This sequence change replaces phenylalanine, which is neutral and non-polar, with tyrosine, which is neutral and polar, at codon 199 of the GNB4 protein (p.Phe199Tyr). This variant is present in population databases (rs760894139, gnomAD 0.0009%). This variant has not been reported in the literature in individuals affected with GNB4-related conditions. ClinVar contains an entry for this variant (Variation ID: 577412). Advanced modeling of protein sequence and biophysical properties (such as structural, functional, and spatial information, amino acid conservation, physicochemical variation, residue mobility, and thermodynamic stability) performed at Invitae indicates that this missense variant is not expected to disrupt GNB4 protein function with a negative predictive value of 80%. In summary, the available evidence is currently insufficient to determine the role of this variant in disease. Therefore, it has been classified as a Variant of Uncertain Significance.

Ambry Genetics
Classification: Uncertain significance for Inborn genetic diseases. Last evaluated: 2023-10-17. Review status: criteria provided, single submitter. Criteria: Ambry Variant Classification Scheme 2023. Collection method: clinical testing. Allele origin: germline.